The following is an entry in ClinVar:

NM_020975.6(RET):c.476C>T (p.Ser159Phe)

Gene: RET (ret proto-oncogene; plus strand). Cytogenetic location: 10q11.21.
Variant type: single nucleotide variant.
Coding change: c.476C>T on transcript NM_020975.6 (MANE Select); coding-DNA position 476, C replaced by T.
Protein change: p.Ser159Phe; replaces serine 159 with phenylalanine.
Molecular consequence: missense variant. On other transcripts: intron variant (15).
Genome position (GRCh38, 1-based): chr10:43,102,480, C>T. VCF-style: chr10-43102480-C-T. GRCh37 (hg19) VCF-style: chr10-43597928-C-T.
Other names: c.337+1758C>T (NM_001406766.1, NM_001406767.1, NM_001406778.1 and 8 more transcripts); c.74-6551C>T (NM_001406784.1); c.74-9619C>T (NM_001406794.1, NM_001406792.1, NM_001406793.1); c.476C>T, p.Ser159Phe (NM_001406743.1, NM_001406744.1, NM_001406759.1 and 14 more transcripts); c.347C>T, p.Ser116Phe (NM_001406761.1, NM_001406762.1, NM_001406764.1 and 4 more transcripts); short protein forms S116F, S159F.
Identifiers: ClinVar variation 3944675 (VCV003944675.1).

ClinVar aggregate classification (germline): Uncertain significance (1 of 4 stars; one submission).

Conditions:
Hereditary cancer-predisposing syndrome. Also called: Tumor predisposition; Hereditary neoplastic syndrome; Hereditary Cancer Syndrome; Neoplastic Syndromes, Hereditary. Identifiers: Orphanet 140162, MedGen C0027672, MeSH D009386, MONDO:0015356.

Submission:

Ambry Genetics
Classification: Uncertain significance for Hereditary cancer-predisposing syndrome. Last evaluated: 2025-03-25. Review status: criteria provided, single submitter. Criteria: Ambry Variant Classification Scheme 2023. Collection method: clinical testing. Allele origin: germline.
Comment: The p.S159F variant (also known as c.476C>T), located in coding exon 3 of the RET gene, results from a C to T substitution at nucleotide position 476. The serine at codon 159 is replaced by phenylalanine, an amino acid with highly dissimilar properties. This amino acid position is not well conserved in available vertebrate species. In addition, this alteration is predicted to be tolerated by in silico analysis. Based on the available evidence, the clinical significance of this variant remains unclear.